The following is an entry in ClinVar:

NM_004370.6(COL12A1):c.5381G>A (p.Gly1794Asp)

Gene: COL12A1 (collagen type XII alpha 1 chain; minus strand). Cytogenetic location: 6q13.
Variant type: single nucleotide variant.
Coding change: c.5381G>A on transcript NM_004370.6 (MANE Select); coding-DNA position 5381, G replaced by A.
Protein change: p.Gly1794Asp; replaces glycine 1794 with aspartic acid.
Molecular consequence: missense variant.
Genome position (GRCh38, 1-based): chr6:75,137,450, C>T on the plus strand (G>A on the coding strand, the complement: COL12A1 is on the minus strand). VCF-style: chr6-75137450-C-T. GRCh37 (hg19) VCF-style: chr6-75847166-C-T.
Other names: c.1889G>A, p.Gly630Asp (NM_080645.3); short protein forms G1794D, G630D.
Identifiers: ClinVar variation 593974 (VCV000593974.13), dbSNP rs548889128, ClinGen allele CA3893153.

ClinVar aggregate classification (germline): Uncertain significance. Review status: criteria provided, multiple submitters, no conflicts (2 of 4 stars). 4 submissions from 4 submitters: Uncertain significance (4). Last evaluated 2026-01-05.

Conditions:
Ullrich congenital muscular dystrophy 2 (UCMD2). Identifiers: Orphanet 75840, MedGen C4225314, MONDO:0014654, OMIM 616470.
Bethlem myopathy 2 (BTHLM2). Identifiers: Orphanet 536516, Orphanet 610, MedGen C4225313, MONDO:0034022, OMIM 616471.

Allele frequency attached by ClinVar (database versions not stated): gnomAD exomes 0.00001 and 0.00004; TOPMed 0.00002; gnomAD 0.00003; ExAC 0.00005; 1000 Genomes Project 0.00020; 1000 Genomes Project 30x 0.00031.
gnomAD v4.1: 23 of 1,603,612 alleles (0.0014%); highest among the groups gnomAD compares: Admixed American, 0.016%; no homozygotes.

Submissions (4):

Women's Health and Genetics/Laboratory Corporation of America, LabCorp
Classification: Uncertain significance. Last evaluated: 2026-01-05. Review status: criteria provided, single submitter. Criteria: LabCorp Variant Classification Summary - May 2015. Collection method: clinical testing. Allele origin: germline.
Comment: Variant summary: COL12A1 c.5381G>A (p.Gly1794Asp) results in a non-conservative amino acid change in the encoded protein sequence. Algorithms developed to predict the effect of missense changes on protein structure and function are either unavailable or do not agree on the potential impact of this missense change. The variant allele was found at a frequency of 3.8e-05 in 237128 control chromosomes. The available data on variant occurrences in the general population are insufficient to allow any conclusion about variant significance. To our knowledge, no occurrence of c.5381G>A in individuals affected with COL12A1-related conditions and no experimental evidence demonstrating its impact on protein function have been reported. ClinVar contains an entry for this variant (Variation ID: 593974). Based on the evidence outlined above, the variant was classified as uncertain significance.

Revvity Omics, Revvity
Classification: Uncertain significance. Last evaluated: 2025-08-04. Review status: criteria provided, single submitter. Criteria: ACMG Guidelines, 2015. Collection method: clinical testing. Allele origin: germline.

Labcorp Genetics (formerly Invitae), Labcorp
Classification: Uncertain significance for Bethlem myopathy 2; Ullrich congenital muscular dystrophy 2. Last evaluated: 2025-01-11. Review status: criteria provided, single submitter. Criteria: Invitae Variant Classification Sherloc (09022015). Collection method: clinical testing. Allele origin: germline.
Comment: This sequence change replaces glycine, which is neutral and non-polar, with aspartic acid, which is acidic and polar, at codon 1794 of the COL12A1 protein (p.Gly1794Asp). This variant is present in population databases (rs548889128, gnomAD 0.02%). This variant has not been reported in the literature in individuals affected with COL12A1-related conditions. ClinVar contains an entry for this variant (Variation ID: 593974). Invitae Evidence Modeling of protein sequence and biophysical properties (such as structural, functional, and spatial information, amino acid conservation, physicochemical variation, residue mobility, and thermodynamic stability) indicates that this missense variant is not expected to disrupt COL12A1 protein function with a negative predictive value of 80%. In summary, the available evidence is currently insufficient to determine the role of this variant in disease. Therefore, it has been classified as a Variant of Uncertain Significance.

Eurofins Ntd Llc (ga)
Classification: Uncertain significance. Last evaluated: 2017-09-05. Review status: criteria provided, single submitter. Criteria: EGL Classification Definitions 2015. Collection method: clinical testing. Allele origin: germline. Observed: 1 variant allele, 1 heterozygote.